The following is an entry in ClinVar:

NM_004373.4(COX6A1):c.36G>C (p.Leu12=)

Gene: COX6A1 (cytochrome c oxidase subunit 6A1; plus strand). Cytogenetic location: 12q24.31.
Variant type: single nucleotide variant.
Coding change: c.36G>C on transcript NM_004373.4 (MANE Select); coding-DNA position 36, G replaced by C.
Protein change: p.Leu12=; no amino-acid change (leucine 12 retained).
Molecular consequence: synonymous variant.
Genome position (GRCh38, 1-based): chr12:120,438,162, G>C. VCF-style: chr12-120438162-G-C. GRCh37 (hg19) VCF-style: chr12-120875965-G-C.
Other names: p.Leu12=.
Identifiers: ClinVar variation 386514 (VCV000386514.14), dbSNP rs146320405, ClinGen allele CA6827959.

ClinVar aggregate classification (germline): Likely benign. Review status: criteria provided, multiple submitters, no conflicts (2 of 4 stars). 6 submissions from 6 submitters: Likely benign (6). Last evaluated 2026-09-01.

Allele frequency attached by ClinVar (database versions not stated): 1000 Genomes Project 30x 0.00016; 1000 Genomes Project 0.00020; gnomAD 0.00045 and 0.00050; TOPMed 0.00051; ESP Exome Variant Server 0.00077.

Submissions (6):

CeGaT Center for Human Genetics Tuebingen
Classification: Likely benign. Last evaluated: 2026-09-01. Review status: criteria provided, single submitter. Criteria: CeGaT Center For Human Genetics Tuebingen Variant Classification Criteria Version 2. Collection method: clinical testing. Allele origin: germline. Affected: yes. Observed: 1 variant allele.
Comment: COX6A1: BP4, BP7

Women's Health and Genetics/Laboratory Corporation of America, LabCorp
Classification: Likely benign. Last evaluated: 2026-05-01. Review status: criteria provided, single submitter. Criteria: LabCorp Variant Classification Summary - May 2015. Collection method: clinical testing. Allele origin: germline.

Labcorp Genetics (formerly Invitae), Labcorp
Classification: Likely benign. Last evaluated: 2025-08-14. Review status: criteria provided, single submitter. Criteria: Invitae Variant Classification Sherloc (09022015). Collection method: clinical testing. Allele origin: germline.

Mayo Clinic Laboratories, Mayo Clinic
Classification: Likely benign. Last evaluated: 2025-07-29. Review status: criteria provided, single submitter. Criteria: ACMG Guidelines, 2015. Collection method: clinical testing. Allele origin: germline. Observed: 2 variant alleles.
Comment: BS1, BP4, BP7

GeneDx
Classification: Likely benign. Last evaluated: 2019-11-06. Review status: criteria provided, single submitter. Criteria: GeneDx Variant Classification Process June 2021. Collection method: clinical testing. Allele origin: germline. Affected: yes.

Breakthrough Genomics
Classification: Likely benign. Review status: criteria provided, single submitter. Criteria: ACMG Guidelines, 2015. Collection method: not provided. Allele origin: germline. Inheritance: Autosomal recessive inheritance. Affected: yes.